The following is an entry in ClinVar:

NM_006978.3(RNF113A):c.446A>G (p.Asp149Gly)

Gene: RNF113A (ring finger protein 113A; minus strand). Cytogenetic location: Xq24.
Variant type: single nucleotide variant.
Coding change: c.446A>G on transcript NM_006978.3 (MANE Select); coding-DNA position 446, A replaced by G.
Protein change: p.Asp149Gly; replaces aspartic acid 149 with glycine.
Molecular consequence: missense variant.
Genome position (GRCh38, 1-based): chrX:119,871,168, T>C on the plus strand (A>G on the coding strand, the complement: RNF113A is on the minus strand). VCF-style: chrX-119871168-T-C. GRCh37 (hg19) VCF-style: chrX-119005131-T-C.
Other names: short protein forms D149G.
Identifiers: ClinVar variation 3731083 (VCV003731083.1).
Genomic context (GRCh38, chrX:119,871,168, plus strand): 5'-GACGTATCCTTGGGCTTCATGTATTTCTGATAATTGTTGATTCCCCGATAGATCTTGTCA[T>C]CCTCCTTGCCCCTCAGCTCCTCCTGGATCTTCTGGCTGCGCTCAAAGATGGCTTGTGCAT-3'
Protein context (NP_008909.1, residues 139-159): KIQEELRGKE[Asp149Gly]DKIYRGINNY

ClinVar aggregate classification (germline): Uncertain significance (1 of 4 stars; one submission).

Submission:

GeneDx
Classification: Uncertain significance. Last evaluated: 2024-08-13. Review status: criteria provided, single submitter. Criteria: GeneDx Variant Classification Process June 2021. Collection method: clinical testing. Allele origin: germline. Affected: yes.
Comment: Not observed at significant frequency in large population cohorts (gnomAD); In silico analysis supports that this missense variant has a deleterious effect on protein structure/function; Has not been previously published as pathogenic or benign to our knowledge